The following is an entry in ClinVar:

NM_001184900.3(CARD8):c.679C>G (p.Gln227Glu)

Gene: CARD8 (caspase recruitment domain family member 8; minus strand). Cytogenetic location: 19q13.33.
Variant type: single nucleotide variant.
Coding change: c.679C>G on transcript NM_001184900.3 (MANE Select); coding-DNA position 679, C replaced by G.
Protein change: p.Gln227Glu; replaces glutamine 227 with glutamic acid.
Molecular consequence: missense variant. On other transcripts: non-coding transcript variant (4).
Genome position (GRCh38, 1-based): chr19:48,230,870, G>C on the plus strand (C>G on the coding strand, the complement: CARD8 is on the minus strand). VCF-style: chr19-48230870-G-C. GRCh37 (hg19) VCF-style: chr19-48734127-G-C.
Other names: c.529C>G, p.Gln177Glu (NM_001184901.1, NM_001351783.2, NM_001351788.2 and 2 more transcripts); c.679C>G, p.Gln227Glu (NM_001184902.2, NM_001184903.1, NM_001351782.2); c.364C>G, p.Gln122Glu (NM_001351784.2, NM_001351787.2, NM_001351791.2 and 2 more transcripts); c.343C>G, p.Gln115Glu (NM_001351786.2); c.436C>G, p.Gln146Glu (NM_001351790.2); short protein forms Q177E, Q227E, Q115E, Q146E, Q122E.
Identifiers: ClinVar variation 1395510 (VCV001395510.6), dbSNP rs2042739230, ClinGen allele CA406644420.

ClinVar aggregate classification (germline): Uncertain significance (1 of 4 stars; one submission).

Allele frequency attached by ClinVar (database versions not stated): gnomAD exomes below 0.00001.
gnomAD v4.1: 1 of 1,614,212 alleles (0.000062%); highest among the groups gnomAD compares: Non-Finnish European, 0.000085%; no homozygotes.

Submission:

Labcorp Genetics (formerly Invitae), Labcorp
Classification: Uncertain significance. Last evaluated: 2024-02-17. Review status: criteria provided, single submitter. Criteria: Invitae Variant Classification Sherloc (09022015). Collection method: clinical testing. Allele origin: germline.
Comment: This sequence change replaces glutamine, which is neutral and polar, with glutamic acid, which is acidic and polar, at codon 177 of the CARD8 protein (p.Gln177Glu). This variant is not present in population databases (gnomAD no frequency). This variant has not been reported in the literature in individuals affected with CARD8-related conditions. ClinVar contains an entry for this variant (Variation ID: 1395510). An algorithm developed to predict the effect of missense changes on protein structure and function (PolyPhen-2) suggests that this variant is likely to be tolerated. In summary, the available evidence is currently insufficient to determine the role of this variant in disease. Therefore, it has been classified as a Variant of Uncertain Significance.